The following is an entry in ClinVar:

ClinVar aggregate classification (germline): Uncertain significance. Review status: criteria provided, single submitter (1 of 4 stars). 2 submissions from 2 submitters: Uncertain significance (1). 1 of the submissions does not count toward it. Last evaluated 2024-05-08.

Conditions:
Cystic fibrosis (CF). Also called: MUCOVISCIDOSIS. Identifiers: Orphanet 586, MedGen C0010674, MONDO:0009061, OMIM 219700. Disease mechanism: loss of function.
CFTR-related disorder (CFTR-RD). Also called: CFTR-related disorders; CFTR-related condition. Identifiers: MedGen C5924204, MONDO:7770004.

gnomAD v4.1: 2 of 1,612,236 alleles (0.00012%); highest among the groups gnomAD compares: Non-Finnish European, 0.00017%; no homozygotes.

Submissions (2):

Ambry Genetics
Classification: Uncertain significance for Cystic fibrosis. Last evaluated: 2024-05-08. Review status: criteria provided, single submitter. Criteria: Ambry Variant Classification Scheme 2023. Collection method: clinical testing. Allele origin: germline.
Comment: The p.T1216A variant (also known as c.3646A>G), located in coding exon 22 of the CFTR gene, results from an A to G substitution at nucleotide position 3646. The threonine at codon 1216 is replaced by alanine, an amino acid with similar properties. This amino acid position is conserved. In addition, the in silico prediction for this alteration is inconclusive. Based on the available evidence, the clinical significance of this variant remains unclear.

Natera, Inc.
Classification: Uncertain significance for CFTR-related disorders. Last evaluated: 2025-05-15. Review status: no assertion criteria provided. Collection method: clinical testing. Allele origin: germline. Not counted in ClinVar's aggregate classification.

NM_000492.4(CFTR):c.3646A>G (p.Thr1216Ala)

Genes: CFTR (CF transmembrane conductance regulator; plus strand), CFTR-AS2 (CFTR antisense RNA 2; minus strand). Cytogenetic location: 7q31.2.
Variant type: single nucleotide variant.
Coding change: c.3646A>G on transcript NM_000492.4 (MANE Select); coding-DNA position 3646, A replaced by G.
Protein change: p.Thr1216Ala; replaces threonine 1216 with alanine.
Molecular consequence: missense variant.
Genome position (GRCh38, 1-based): chr7:117,627,699, A>G. VCF-style: chr7-117627699-A-G. GRCh37 (hg19) VCF-style: chr7-117267753-A-G.
Other names: short protein forms T1216A.
Identifiers: ClinVar variation 3266664 (VCV003266664.2).